The following is an entry in ClinVar:

ClinVar aggregate classification (germline): Uncertain significance. Review status: criteria provided, multiple submitters, no conflicts (2 of 4 stars). 2 submissions from 2 submitters: Uncertain significance (2). Last evaluated 2025-01-22.

Conditions:
Hereditary cancer-predisposing syndrome. Also called: Hereditary neoplastic syndrome; Neoplastic Syndromes, Hereditary; Hereditary Cancer Syndrome; Tumor predisposition. Identifiers: Orphanet 140162, MedGen C0027672, MeSH D009386, MONDO:0015356.

Submissions (2):

Labcorp Genetics (formerly Invitae), Labcorp
Classification: Uncertain significance. Last evaluated: 2025-01-22. Review status: criteria provided, single submitter. Criteria: Invitae Variant Classification Sherloc (09022015). Collection method: clinical testing. Allele origin: germline.
Comment: This sequence change replaces threonine, which is neutral and polar, with lysine, which is basic and polar, at codon 149 of the FH protein (p.Thr149Lys). This variant is not present in population databases (gnomAD no frequency). This variant has not been reported in the literature in individuals affected with FH-related conditions. ClinVar contains an entry for this variant (Variation ID: 2804451). Invitae Evidence Modeling of protein sequence and biophysical properties (such as structural, functional, and spatial information, amino acid conservation, physicochemical variation, residue mobility, and thermodynamic stability) indicates that this missense variant is expected to disrupt FH protein function with a positive predictive value of 95%. In summary, the available evidence is currently insufficient to determine the role of this variant in disease. Therefore, it has been classified as a Variant of Uncertain Significance.

Ambry Genetics
Classification: Uncertain significance for Hereditary cancer-predisposing syndrome. Last evaluated: 2024-02-05. Review status: criteria provided, single submitter. Criteria: Ambry Variant Classification Scheme 2023. Collection method: clinical testing. Allele origin: germline.

NM_000143.4(FH):c.446C>A (p.Thr149Lys)

Gene: FH (fumarate hydratase; minus strand). Cytogenetic location: 1q43.
Variant type: single nucleotide variant.
Coding change: c.446C>A on transcript NM_000143.4 (MANE Select); coding-DNA position 446, C replaced by A.
Protein change: p.Thr149Lys; replaces threonine 149 with lysine.
Molecular consequence: missense variant.
Genome position (GRCh38, 1-based): chr1:241,512,076, G>T on the plus strand (C>A on the coding strand, the complement: FH is on the minus strand). VCF-style: chr1-241512076-G-T. GRCh37 (hg19) VCF-style: chr1-241675376-G-T.
Other names: short protein forms T149K.
Identifiers: ClinVar variation 2804451 (VCV002804451.4), dbSNP rs2527332712, ClinGen allele CA345440089.